The following is an entry in ClinVar:

NM_015330.6(SPECC1L):c.3247G>A (p.Gly1083Ser)

Genes: SPECC1L (sperm antigen with calponin homology and coiled-coil domains 1 like; plus strand), SPECC1L-ADORA2A (SPECC1L-ADORA2A readthrough (NMD candidate); plus strand). Cytogenetic location: 22q11.23.
Variant type: single nucleotide variant.
Coding change: c.3247G>A on transcript NM_015330.6 (MANE Select); coding-DNA position 3247, G replaced by A.
Protein change: p.Gly1083Ser; replaces glycine 1083 with serine.
Molecular consequence: missense variant. On other transcripts: non-coding transcript variant (1).
Genome position (GRCh38, 1-based): chr22:24,412,690, G>A. VCF-style: chr22-24412690-G-A. GRCh37 (hg19) VCF-style: chr22-24808658-G-A.
Other names: c.3247G>A (NM_015330.4, NM_015330.5); c.3247G>A, p.Gly1083Ser (NM_001145468.4); c.3130G>A, p.Gly1044Ser (NM_001254732.3); c.445G>A, p.Gly149Ser (NM_001254733.2); short protein forms G1083S, G149S, G1044S.
Identifiers: ClinVar variation 183672 (VCV000183672.11), dbSNP rs786201031, ClinGen allele CA186135.

ClinVar aggregate classification (germline): Likely pathogenic. Review status: criteria provided, multiple submitters, no conflicts (2 of 4 stars). 6 submissions from 6 submitters: Likely pathogenic (4). 2 of the submissions do not count toward it. Last evaluated 2024-10-31.

Conditions:
Teebi hypertelorism syndrome 1. Identifiers: Orphanet 1519, MedGen CN306405, MONDO:0800025, OMIM 145420.

Allele frequency attached by ClinVar (database versions not stated): gnomAD exomes 0.00001 and 0.00002; gnomAD 0.00001; TOPMed 0.00002.
gnomAD v4.1: 26 of 1,614,022 alleles (0.0016%); highest among the groups gnomAD compares: Non-Finnish European, 0.002%; no homozygotes.

Submissions (6):

Revvity Omics, Revvity
Classification: Likely pathogenic. Last evaluated: 2024-10-31. Review status: criteria provided, single submitter. Criteria: ACMG Guidelines, 2015. Collection method: clinical testing. Allele origin: germline.

Institute of Human Genetics, University of Leipzig Medical Center
Classification: Likely pathogenic for Teebi hypertelorism syndrome 1. Last evaluated: 2023-07-24. Review status: criteria provided, single submitter. Criteria: ACMG Guidelines, 2015. Collection method: clinical testing. Allele origin: unknown. Inheritance: Autosomal dominant inheritance. Affected: yes.
Comment: Criteria applied: PP1_STR,PS3_SUP,PS4_SUP,PM1_SUP,PP3

GeneDx
Classification: Likely pathogenic. Last evaluated: 2022-12-20. Review status: criteria provided, single submitter. Criteria: GeneDx Variant Classification Process June 2021. Collection method: clinical testing. Allele origin: germline. Affected: yes.
Comment: Published functional studies demonstrate a damaging effect: proteins with the G1083S variant are defective in stabilizing microtubules (Kruszka et al., 2015); In silico analysis supports that this missense variant has a deleterious effect on protein structure/function; This variant is associated with the following publications: (PMID: 25412741, 30472488, 31953237, 3228142)

Lifecell International Pvt. Ltd
Classification: Likely pathogenic for Teebi hypertelorism syndrome 1. Review status: criteria provided, single submitter. Criteria: ACMG Guidelines, 2015. Collection method: clinical testing. Allele origin: germline. Inheritance: Autosomal dominant inheritance. Affected: yes. Observed: 1 heterozygote.
Comment: A Heterozygous Missense variant c.3247G>A in Exon 16 of the SPECC1L gene that results in the amino acid substitution p.Gly1083Ser was identified. The observed variant has a minor allele frequency of 0.00001% in gnomAD exomes and novel in genomes, respectively. The severity of the impact of this variant on the protein is medium, based on the effect of the protein and REVEL score . Rare Exome Variant Ensemble Learner (REVEL) is an ensembl method for predicting the pathogenicity of missense variants based on a combination of scores from 13 individual tools: MutPred, FATHMM v2.3, VEST 3.0, PolyPhen-2, SIFT, PROVEAN, MutationAssessor, MutationTaster, LRT, GERP++, SiPhy, phyloP, and phastCons. The REVEL score for an individual missense variant can range from 0 to 1, with higher scores reflecting greater likelihood that the variant is disease-causing. ClinVar has also classified this variant as Likely Pathogenic (Variant ID: 183672). This variant has previously been reported in the patient affected with BBB syndrome (Kruszka P et al 2015) Based on the above evidence this variant has been classified as Likely Pathogenic according to the ACMG guidelines.

OMIM
Classification: Pathogenic for TEEBI HYPERTELORISM SYNDROME 1. Last evaluated: 2015-02-01. Review status: no assertion criteria provided. Collection method: literature only. Allele origin: germline. Not counted in ClinVar's aggregate classification.

Genomic Medicine Center of Excellence, King Faisal Specialist Hospital and Research Centre
Classification: Uncertain significance for Teebi hypertelorism syndrome 1. Last evaluated: 2024-03-25. Review status: flagged submission. Criteria: ACMG Guidelines, 2015. Collection method: clinical testing. Allele origin: germline. Not counted in ClinVar's aggregate classification.
ClinVar note: Reason: Outlier claim with insufficient supporting evidence

Literature cited by the submitters: PubMed 25412741 (cited by Lifecell International Pvt. Ltd and OMIM); PubMed 3228142 (cited by OMIM); PubMed 30472488 (cited by OMIM).